The following is an entry in ClinVar:

ClinVar aggregate classification (germline): Uncertain significance (1 of 4 stars; one submission).

Submission:

CeGaT Center for Human Genetics Tuebingen
Classification: Uncertain significance. Last evaluated: 2026-01-01. Review status: criteria provided, single submitter. Criteria: CeGaT Center For Human Genetics Tuebingen Variant Classification Criteria Version 2. Collection method: clinical testing. Allele origin: germline. Affected: yes. Observed: 1 variant allele.
Comment: MYORG: PM2, PM4:Supporting

NM_020702.5(MYORG):c.1490TCT[1] (p.Phe498del)

Gene: MYORG (myogenesis regulating glycosidase; minus strand). Cytogenetic location: 9p13.3.
Variant type: Microsatellite.
Coding change: c.1490TCT[1] on transcript NM_020702.5 (MANE Select); one copy of the 3-base unit TCT starting at c.1490; the reference has two copies in a row; one copy, 3 bases deleted.
Protein change: p.Phe498del; deletes phenylalanine 498.
Molecular consequence: inframe deletion.
Genome position (GRCh38, 1-based): chr9:34,371,449-34,371,451, AGA deleted on the plus strand (TCT on the coding strand, the reverse complement: MYORG is on the minus strand); deleting any 3 consecutive bases within chr9:34,371,449-34,371,456 gives the same sequence; the position shown is the placement nearest the transcript's 3' end. VCF-style (leftmost placement, unchanged base first): chr9-34371448-GAGA-G. GRCh37 (hg19) VCF-style: chr9-34371446-GAGA-G.
Other names: short protein forms F498del.
Identifiers: ClinVar variation 4821913 (VCV004821913.4).